The following is an entry in ClinVar:

ClinVar aggregate classification (germline): Uncertain significance (0 of 4 stars; one submission).

Conditions:
ATP11C-related disorder. Also called: ATP11C-related condition.

gnomAD v4.1: 1 of 1,204,774 alleles (0.000083%); highest among the groups gnomAD compares: Admixed American, 0.0022%; no homozygotes.

Submission:

PreventionGenetics, part of Exact Sciences
Classification: Uncertain significance for ATP11C-related condition. Last evaluated: 2024-06-26. Review status: no assertion criteria provided. Collection method: clinical testing. Allele origin: germline.
Comment: The ATP11C c.3210G>A variant is predicted to result in premature protein termination (p.Trp1070*). To our knowledge, this variant has not been reported in the literature. This variant is reported in 0.0037% of alleles in individuals of Latino descent in gnomAD, including one hemizygous individual. Although we suspect that this variant may be pathogenic, at this time, the clinical significance of this variant is uncertain due to the absence of conclusive functional and genetic evidence.

NM_001353812.2(ATP11C):c.3201G>A (p.Trp1067Ter)

Gene: ATP11C (ATPase phospholipid transporting 11C; minus strand). Cytogenetic location: Xq27.1.
Variant type: single nucleotide variant.
Coding change: c.3201G>A on transcript NM_001353812.2 (MANE Select); coding-DNA position 3201, G replaced by A.
Protein change: p.Trp1067Ter; replaces tryptophan 1067 with a stop codon.
Molecular consequence: nonsense.
Genome position (GRCh38, 1-based): chrX:139,738,003, C>T on the plus strand (G>A on the coding strand, the complement: ATP11C is on the minus strand). VCF-style: chrX-139738003-C-T. GRCh37 (hg19) VCF-style: chrX-138820162-C-T.
Other names: c.3210G>A, p.Trp1070Ter (NM_001010986.3, NM_173694.5); c.3201G>A, p.Trp1067Ter (NM_001353810.2, NM_001353811.2); short protein forms W1067*, W1070*.
Identifiers: ClinVar variation 3349912 (VCV003349912.1).
Genomic context (GRCh38, chrX:139,738,003, plus strand): 5'-TAATACTATCAGAAGAATCTCAGGGAACAGGCTGATAAATATTAGAAGAATTATAGCCAA[C>T]CATGTGGATACAGAAGACAGCATTTGGGCAAATACAAAATACATTCTCTGTTGCTTGAGA-3'